The following is an entry in ClinVar:

NM_001005242.3(PKP2):c.2418C>A (p.His806Gln)

Gene: PKP2 (plakophilin 2; minus strand). Cytogenetic location: 12p11.21.
Variant type: single nucleotide variant.
Coding change: c.2418C>A on transcript NM_001005242.3 (MANE Select); coding-DNA position 2418, C replaced by A.
Protein change: p.His806Gln; replaces histidine 806 with glutamine.
Molecular consequence: missense variant.
Genome position (GRCh38, 1-based): chr12:32,792,671, G>T on the plus strand (C>A on the coding strand, the complement: PKP2 is on the minus strand). VCF-style: chr12-32792671-G-T. GRCh37 (hg19) VCF-style: chr12-32945605-G-T.
Other names: c.2228C>A, p.Thr743Lys (NM_001407155.1); c.2253C>A, p.His751Gln (NM_001407156.1); c.2091C>A, p.His697Gln (NM_001407158.1, NM_001407159.1); c.1901C>A, p.Thr634Lys (NM_001407160.1); c.2550C>A, p.His850Gln (NM_004572.4); short protein forms H697Q, H751Q, H806Q, H850Q, T634K, T743K.
Identifiers: ClinVar variation 4757924 (VCV004757924.1).

ClinVar aggregate classification (germline): Uncertain significance (1 of 4 stars; one submission).

Conditions:
Cardiomyopathy (CMYO). Also called: Cardiomyopathies. Identifiers: Orphanet 167848, MedGen C0878544, MONDO:0004994, HP:0001638. Inheritance: Various modes of inheritance.

Submission:

Color Diagnostics, LLC DBA Color Health
Classification: Uncertain significance for Cardiomyopathy. Last evaluated: 2025-08-24. Review status: criteria provided, single submitter. Criteria: ACMG Guidelines, 2015. Collection method: clinical testing. Allele origin: germline.
Comment: This missense variant replaces histidine with glutamine at codon 850 of the PKP2 protein. Computational prediction suggests that this variant may not impact protein structure and function. To our knowledge, functional studies have not been reported for this variant. This variant has not been reported in individuals affected with PKP2-related disorders in the literature. This variant has not been identified in the general population by the Genome Aggregation Database (gnomAD). The available evidence is insufficient to determine the role of this variant in disease conclusively. Therefore, this variant is classified as a Variant of Uncertain Significance.